The following is an entry in ClinVar:

ClinVar aggregate classification (germline): Uncertain significance (1 of 4 stars; one submission).

Allele frequency attached by ClinVar (database versions not stated): gnomAD 0.00002; TOPMed 0.00004.
gnomAD v4.1: 30 of 1,190,573 alleles (0.0025%); highest among the groups gnomAD compares: Non-Finnish European, 0.0033%; no homozygotes.

Submission:

Ambry Genetics
Classification: Uncertain significance. Last evaluated: 2026-05-27. Review status: criteria provided, single submitter. Criteria: Ambry Variant Classification Scheme 2023. Collection method: clinical testing. Allele origin: germline.
Comment: The c.5776G>A (p.E1926K) alteration is located in exon 37 (coding exon 35) of the PLXNB3 gene. This alteration results from a G to A substitution at nucleotide position 5776, causing the glutamic acid (E) at amino acid position 1926 to be replaced by a lysine (K). Based on data from gnomAD, the A allele has an overall frequency of 0.002% (3/148350) total alleles studied. The highest observed frequency was 0.005% (3/65175) of European (non-Finnish) alleles. Based on insufficient or conflicting evidence, the clinical significance of this alteration remains unclear.

NM_005393.3(PLXNB3):c.5707G>A (p.Glu1903Lys)

Gene: PLXNB3 (plexin B3; plus strand). Cytogenetic location: Xq28.
Variant type: single nucleotide variant.
Coding change: c.5707G>A on transcript NM_005393.3 (MANE Select); coding-DNA position 5707, G replaced by A.
Protein change: p.Glu1903Lys; replaces glutamic acid 1903 with lysine.
Molecular consequence: missense variant.
Genome position (GRCh38, 1-based): chrX:153,779,016, G>A. VCF-style: chrX-153779016-G-A. GRCh37 (hg19) VCF-style: chrX-153044471-G-A.
Other names: c.5776G>A, p.Glu1926Lys (NM_001163257.2); short protein forms E1903K, E1926K.
Identifiers: ClinVar variation 2551945 (VCV002551945.3), dbSNP rs782313067, ClinGen allele CA415149668.